The following is an entry in ClinVar:

ClinVar aggregate classification (germline): Uncertain significance (1 of 4 stars; one submission).

Submission:

GeneDx
Classification: Uncertain significance. Last evaluated: 2025-04-09. Review status: criteria provided, single submitter. Criteria: GeneDx Variant Classification Process June 2021. Collection method: clinical testing. Allele origin: germline. Affected: yes.
Comment: Not observed at significant frequency in large population cohorts (gnomAD); In silico analysis supports that this missense variant has a deleterious effect on protein structure/function; Has not been previously published as pathogenic or benign to our knowledge

NM_001470.4(GABBR1):c.955T>G (p.Phe319Val)

Gene: GABBR1 (gamma-aminobutyric acid type B receptor subunit 1; minus strand). Cytogenetic location: 6p22.1.
Variant type: single nucleotide variant.
Coding change: c.955T>G on transcript NM_001470.4 (MANE Select); coding-DNA position 955, T replaced by G.
Protein change: p.Phe319Val; replaces phenylalanine 319 with valine.
Molecular consequence: missense variant.
Genome position (GRCh38, 1-based): chr6:29,623,313, A>C on the plus strand (T>G on the coding strand, the complement: GABBR1 is on the minus strand). VCF-style: chr6-29623313-A-C. GRCh37 (hg19) VCF-style: chr6-29591090-A-C.
Other names: c.424T>G, p.Phe142Val (NM_001319053.2); c.604T>G, p.Phe202Val (NM_021903.3); c.769T>G, p.Phe257Val (NM_021904.4); short protein forms F142V, F202V, F257V, F319V.
Identifiers: ClinVar variation 4282077 (VCV004282077.1).